The following is an entry in ClinVar:

ClinVar aggregate classification (germline): Pathogenic. Review status: criteria provided, multiple submitters, no conflicts (2 of 4 stars). 7 submissions from 7 submitters: Pathogenic (6). 1 of the submissions does not count toward it. Last evaluated 2026-06-09.

Conditions:
KBG syndrome (KBGS). Also called: ANKRD11-Related KBG Syndrome. Identifiers: Orphanet 2332, MedGen C0220687, MONDO:0007846, OMIM 148050.

Submissions (7):

Institute of Human Genetics, University of Leipzig Medical Center
Classification: Pathogenic for KBG syndrome. Last evaluated: 2026-06-09. Review status: criteria provided, single submitter. Criteria: ACMG Guidelines, 2015. Collection method: clinical testing. Allele origin: de novo. Inheritance: Autosomal dominant inheritance. Affected: yes.
Comment: Criteria applied: PVS1,PS2_VSTR,PS4_MOD,PM2

CeGaT Center for Human Genetics Tuebingen
Classification: Pathogenic. Last evaluated: 2025-08-01. Review status: criteria provided, single submitter. Criteria: CeGaT Center For Human Genetics Tuebingen Variant Classification Criteria Version 2. Collection method: clinical testing. Allele origin: germline. Affected: yes. Observed: 1 variant allele.
Comment: ANKRD11: PVS1, PM2, PS4:Moderate, PM6:Supporting

GeneDx
Classification: Pathogenic. Last evaluated: 2025-05-08. Review status: criteria provided, single submitter. Criteria: GeneDx Variant Classification Process June 2021. Collection method: clinical testing. Allele origin: germline. Affected: yes.
Comment: Frameshift variant predicted to result in protein truncation or nonsense mediated decay in a gene for which loss of function is a known mechanism of disease; Not observed at significant frequency in large population cohorts (gnomAD); This variant is associated with the following publications: (PMID: 37226940, 37236975, 37964495)

Genetics Laboratory, UDIAT-Centre Diagnòstic, Hospital Universitari Parc Tauli
Classification: Pathogenic for KBG syndrome. Last evaluated: 2024-05-23. Review status: criteria provided, single submitter. Criteria: ACMG Guidelines, 2015. Collection method: clinical testing. Allele origin: unknown. Inheritance: Autosomal dominant inheritance. Affected: yes.
Comment: PVS1_very strong;PM2_supporting;PM6_moderate

3billion
Classification: Pathogenic for KBG syndrome. Last evaluated: 2023-12-01. Review status: criteria provided, single submitter. Criteria: ACMG Guidelines, 2015. Collection method: clinical testing. Allele origin: germline. Affected: yes.
Comment: The variant is not observed in the gnomAD v2.1.1 dataset. Predicted Consequence/Location: Frameshift: predicted to result in a loss or disruption of normal protein function through nonsense-mediated decay (NMD) or protein truncation. Multiple pathogenic variants are reported downstream of the variant. The variant has been reported at least twice as pathogenic without evidence for the classification (ClinVar ID: VCV001065426). Therefore, this variant is classified as Pathogenic according to the recommendation of ACMG/AMP guideline.

Genomic Medicine Lab, University of California San Francisco
Classification: Pathogenic for KBG syndrome. Last evaluated: 2019-09-12. Review status: criteria provided, single submitter. Criteria: ACMG Guidelines, 2015. Collection method: clinical testing. Allele origin: de novo. Inheritance: Autosomal dominant inheritance. Affected: yes. Study: CSER-P3EGS.

The Purple Gene Clinic, Mumbai
Classification: Likely pathogenic for KBG syndrome. Last evaluated: 2024-05-29. Review status: no assertion criteria provided. Collection method: clinical testing. Allele origin: unknown. Inheritance: Autosomal dominant inheritance. Affected: yes. Observed: 1 heterozygote. Not counted in ClinVar's aggregate classification.
Comment: This sequence change creates a frameshift and leads to premature protein truncation of the ANKRD11 protein. This variant is absent in gnomAD database. This variant has not been reported in the literature in individuals with ANKRD11-related conditions. Loss-of-function variants in ANKRD11 are known to be pathogenic (PMID: 38515699, 37800809, 37226940). For these reasons, this variant has been classified as likely pathogenic.

NM_013275.6(ANKRD11):c.4396_4397del (p.Arg1466fs)

Gene: ANKRD11 (ankyrin repeat domain 11; minus strand). Cytogenetic location: 16q24.3.
Variant type: Deletion.
Coding change: c.4396_4397del on transcript NM_013275.6 (MANE Select); coding-DNA positions 4396 to 4397, 2 bases deleted (AG; older notation c.4396_4397delAG).
Protein change: p.Arg1466fs; shifts the reading frame from arginine 1466.
Molecular consequence: frameshift variant.
Genome position (GRCh38, 1-based): chr16:89,282,145-89,282,146, CT deleted on the plus strand (AG on the coding strand, the reverse complement: ANKRD11 is on the minus strand). VCF-style (leftmost placement, unchanged base first): chr16-89282144-CCT-C. GRCh37 (hg19) VCF-style: chr16-89348552-CCT-C.
Other names: c.4396_4397del, p.Arg1466fs (NM_001256182.2, NM_001256183.2); c.4396_4397delAG (NM_013275.5); short protein forms R1466fs.
Identifiers: ClinVar variation 1065426 (VCV001065426.20), dbSNP rs2151750068, ClinGen allele CA2499223788.
Genomic context (GRCh38, chr16:89,282,144, plus strand): 5'-CCGCAGCAGCCCATCCGCATGCCTGTCCCGGTGCCTCTCCTTCTCGTCTCTCCATTTCTC[CCT>C]GTGTTTCTCTCTCTTCTTCTTCTCTTTTAGGATGTTGATGGCACTAGATCCATAAGGCTT-3'